The following is an entry in ClinVar:

ClinVar aggregate classification (germline): Benign. Review status: criteria provided, multiple submitters, no conflicts (2 of 4 stars). 10 submissions from 9 submitters: Benign (8). 2 of the submissions do not count toward it. Last evaluated 2026-02-04.

Conditions:
Achromatopsia. Also called: Rod monochromatism. Identifiers: Orphanet 49382, MedGen C0152200, MONDO:0018852, HP:0011516.
Cone dystrophy 4 (COD4). Identifiers: Orphanet 49382, MedGen C2751308, MONDO:0013129, OMIM 613093.

Allele frequency attached by ClinVar (database versions not stated): ExAC 0.37294; gnomAD exomes 0.37602; gnomAD 0.39072; ESP Exome Variant Server 0.39128; TOPMed 0.40766; 1000 Genomes Project 0.41434; 1000 Genomes Project 30x 0.41989.
gnomAD v4.1: 588,775 of 1,612,712 alleles (37%); highest among the groups gnomAD compares: East Asian, 48%; 109,342 homozygotes.

Submissions (10):

Labcorp Genetics (formerly Invitae), Labcorp
Classification: Benign. Last evaluated: 2026-02-04. Review status: criteria provided, single submitter. Criteria: Invitae Variant Classification Sherloc (09022015). Collection method: clinical testing. Allele origin: germline.

Blueprint Genetics
Classification: Benign. Last evaluated: 2024-11-27. Review status: criteria provided, single submitter. Criteria: ACMG Guidelines, 2015. Collection method: clinical testing. Allele origin: germline.

Mendelics
Classification: Benign for Cone dystrophy 4. Last evaluated: 2019-05-28. Review status: criteria provided, single submitter. Criteria: Mendelics Assertion Criteria 2017. Collection method: clinical testing. Allele origin: unknown.

Illumina Laboratory Services, Illumina
Classification: Benign for Cone dystrophy 4. Last evaluated: 2018-01-13. Review status: criteria provided, single submitter. Criteria: ICSL Variant Classification Criteria 13 December 2019. Collection method: clinical testing. Allele origin: germline.
Comment: This variant was observed in the ICSL laboratory as part of a predisposition screen in an ostensibly healthy population. It had not been previously curated by ICSL or reported in the Human Gene Mutation Database (HGMD: prior to June 1st, 2018), and was therefore a candidate for classification through an automated scoring system. Utilizing variant allele frequency, disease prevalence and penetrance estimates, and inheritance mode, an automated score was calculated to assess if this variant is too frequent to cause the disease. Based on the score and internal cut-off values, a variant classified as benign is not then subjected to further curation. The score for this variant resulted in a classification of benign for this disease.

Illumina Laboratory Services, Illumina
Classification: Benign for Achromatopsia. Last evaluated: 2018-01-13. Review status: criteria provided, single submitter. Criteria: ICSL Variant Classification Criteria 13 December 2019. Collection method: clinical testing. Allele origin: germline.
Comment: the same text as in the submission from Illumina Laboratory Services, Illumina above.

GeneDx
Classification: Benign. Last evaluated: 2015-03-03. Review status: criteria provided, single submitter. Criteria: GeneDx Variant Classification Process June 2021. Collection method: clinical testing. Allele origin: germline. Affected: yes.
Comment: This variant is associated with the following publications: (PMID: 22449891)

Breakthrough Genomics
Classification: Benign. Review status: criteria provided, single submitter. Criteria: ACMG Guidelines, 2015. Collection method: not provided. Allele origin: germline. Inheritance: Autosomal recessive inheritance. Affected: yes.

PreventionGenetics, part of Exact Sciences
Classification: Benign. Review status: criteria provided, single submitter. Criteria: ACMG Guidelines, 2015. Collection method: clinical testing. Allele origin: germline.

Diagnostic Laboratory, Department of Genetics, University Medical Center Groningen
Classification: Benign. Review status: no assertion criteria provided. Collection method: clinical testing. Allele origin: germline. Affected: yes. Study: VKGL Data-share Consensus. Not counted in ClinVar's aggregate classification.

Joint Genome Diagnostic Labs from Nijmegen and Maastricht, Radboudumc and MUMC+
Classification: Benign. Review status: no assertion criteria provided. Collection method: clinical testing. Allele origin: germline. Affected: yes. Study: VKGL Data-share Consensus. Not counted in ClinVar's aggregate classification.

NM_006204.4(PDE6C):c.808T>A (p.Ser270Thr)

Gene: PDE6C (phosphodiesterase 6C; plus strand). Cytogenetic location: 10q23.33.
Variant type: single nucleotide variant.
Coding change: c.808T>A on transcript NM_006204.4 (MANE Select); coding-DNA position 808, T replaced by A.
Protein change: p.Ser270Thr; replaces serine 270 with threonine.
Molecular consequence: missense variant.
Genome position (GRCh38, 1-based): chr10:93,622,016, T>A. VCF-style: chr10-93622016-T-A. GRCh37 (hg19) VCF-style: chr10-95381773-T-A.
Other names: short protein forms S270T.
Identifiers: ClinVar variation 259947 (VCV000259947.24), dbSNP rs701865, ClinGen allele CA5609947.